The following is an entry in ClinVar:

ClinVar aggregate classification (germline): Conflicting classifications of pathogenicity. Review status: criteria provided, conflicting classifications (1 of 4 stars). 4 submissions from 4 submitters: Likely pathogenic (3); Uncertain significance (1). Last evaluated 2026-03-06.

Conditions:
Inborn genetic diseases. Identifiers: MedGen C0950123, MeSH D030342.
Ornithine carbamoyltransferase deficiency (OTCD). Also called: OTC DEFICIENCY; Ornithine Carbamoyltransferase Deficiency Disease; ORNITHINE TRANSCARBAMYLASE DEFICIENCY; ORNITHINE TRANSCARBAMYLASE DEFICIENCY, HYPERAMMONEMIA DUE TO. Identifiers: Orphanet 664, MedGen C0268542, MONDO:0010703, OMIM 311250.

Allele frequency attached by ClinVar (database versions not stated): gnomAD exomes below 0.00001; gnomAD 0.00001; TOPMed 0.00002.
gnomAD v4.1: 5 of 1,209,680 alleles (0.00041%); highest among the groups gnomAD compares: Non-Finnish European, 0.00056%; no homozygotes.

Submissions (4):

Ambry Genetics
Classification: Likely pathogenic for Inborn genetic diseases. Last evaluated: 2026-03-06. Review status: criteria provided, single submitter. Criteria: Ambry Variant Classification Scheme 2023. Collection method: clinical testing. Allele origin: germline.
Comment: The c.804G>C (p.M268I) alteration is located in exon 8 (coding exon 8) of the OTC gene. This alteration results from a G to C substitution at nucleotide position 804, causing the methionine (M) at amino acid position 268 to be replaced by an isoleucine (I). This variant was not reported in population-based cohorts in the Genome Aggregation Database (gnomAD). Other variant(s) at the same codon, c.802A>G (p.M268V), c.803T>C (p.M268T), and c.803T>A (p.M268K), have been identified in individual(s) with features consistent with ornithine transcarbamylase deficiency (Jamroz, 2013; Zhou, 2020; Matsuura, 1993; external communication). This amino acid position is highly conserved in available vertebrate species. Based on internal structural analysis, this variant is anticipated to disrupt a region of known function (Shi, 1998). This alteration is predicted to be deleterious by in silico analysis. Based on the available evidence, this alteration is classified as likely pathogenic.

Color Diagnostics, LLC DBA Color Health
Classification: Uncertain significance for Ornithine carbamoyltransferase deficiency. Last evaluated: 2025-10-10. Review status: criteria provided, single submitter. Criteria: ACMG Guidelines, 2015. Collection method: clinical testing. Allele origin: germline.
Comment: This missense variant replaces methionine with isoleucine at codon 268 of the OTC protein. Computational prediction suggests that this variant may have deleterious impact on protein structure and function. To our knowledge, functional studies have not been reported for this variant. This variant has not been reported in individuals affected with OTC-related disorders in the literature. This variant has been identified in 5/1209680 chromosomes in the general population by the Genome Aggregation Database (gnomAD). A different variant impacting the same codon, c.803T>C (p.Met268Thr), has been to shown to be disease-causing, indicating that methionine at this position may be important for OTC function (ClinVar Variation ID: 97333). The available evidence is insufficient to determine the role of this variant in disease conclusively. Therefore, this variant is classified as a Variant of Uncertain Significance.

GeneDx
Classification: Likely pathogenic. Last evaluated: 2023-10-12. Review status: criteria provided, single submitter. Criteria: GeneDx Variant Classification Process June 2021. Collection method: clinical testing. Allele origin: germline. Affected: yes.
Comment: Not observed at significant frequency in large population cohorts (gnomAD); In silico analysis supports that this missense variant has a deleterious effect on protein structure/function; Has not been previously published as pathogenic or benign to our knowledge; This variant is associated with the following publications: (PMID: 9286441, 8365726, 32934962)

Labcorp Genetics (formerly Invitae), Labcorp
Classification: Likely pathogenic for Ornithine carbamoyltransferase deficiency. Last evaluated: 2023-07-13. Review status: criteria provided, single submitter. Criteria: Invitae Variant Classification Sherloc (09022015). Collection method: clinical testing. Allele origin: germline.
Comment: This variant is not present in population databases (gnomAD no frequency). This sequence change replaces methionine, which is neutral and non-polar, with isoleucine, which is neutral and non-polar, at codon 268 of the OTC protein (p.Met268Ile). In summary, the currently available evidence indicates that the variant is pathogenic, but additional data are needed to prove that conclusively. Therefore, this variant has been classified as Likely Pathogenic. This variant disrupts the p.Met268 amino acid residue in OTC. Other variant(s) that disrupt this residue have been determined to be pathogenic (PMID: 8365726, 9286441, 12083811; Invitae). This suggests that this residue is clinically significant, and that variants that disrupt this residue are likely to be disease-causing. Advanced modeling of protein sequence and biophysical properties (such as structural, functional, and spatial information, amino acid conservation, physicochemical variation, residue mobility, and thermodynamic stability) performed at Invitae indicates that this missense variant is expected to disrupt OTC protein function. This variant has not been reported in the literature in individuals affected with OTC-related conditions.

Literature cited by the submitters: PubMed 8365726 (cited by Ambry Genetics and Labcorp Genetics (formerly Invitae), Labcorp); PubMed 9852088 (cited by Ambry Genetics); PubMed 23821427 (cited by Ambry Genetics); PubMed 32934962 (cited by Ambry Genetics); PubMed 9286441 (cited by Labcorp Genetics (formerly Invitae), Labcorp); PubMed 12083811 (cited by Labcorp Genetics (formerly Invitae), Labcorp).

NM_000531.6(OTC):c.804G>C (p.Met268Ile)

Gene: OTC (ornithine transcarbamylase; plus strand). Cytogenetic location: Xp11.4.
Variant type: single nucleotide variant.
Coding change: c.804G>C on transcript NM_000531.6 (MANE Select); coding-DNA position 804, G replaced by C.
Protein change: p.Met268Ile; replaces methionine 268 with isoleucine.
Molecular consequence: missense variant.
Genome position (GRCh38, 1-based): chrX:38,408,962, G>C. VCF-style: chrX-38408962-G-C. GRCh37 (hg19) VCF-style: chrX-38268215-G-C.
Other names: c.804G>C (NM_000531.5); c.804G>C, p.Met268Ile (NM_001407092.1); short protein forms M268I.
Identifiers: ClinVar variation 2975429 (VCV002975429.6), dbSNP rs1357402422, ClinGen allele CA412723134.